The following is an entry in ClinVar:

NM_002470.4(MYH3):c.1775C>T (p.Ser592Leu)

Gene: MYH3 (myosin heavy chain 3; minus strand). Cytogenetic location: 17p13.1.
Variant type: single nucleotide variant.
Coding change: c.1775C>T on transcript NM_002470.4 (MANE Select); coding-DNA position 1775, C replaced by T.
Protein change: p.Ser592Leu; replaces serine 592 with leucine.
Molecular consequence: missense variant.
Genome position (GRCh38, 1-based): chr17:10,642,530, G>A on the plus strand (C>T on the coding strand, the complement: MYH3 is on the minus strand). VCF-style: chr17-10642530-G-A. GRCh37 (hg19) VCF-style: chr17-10545847-G-A.
Other names: short protein forms S592L.
Identifiers: ClinVar variation 1507796 (VCV001507796.8), dbSNP rs774944595, ClinGen allele CA8392938.

ClinVar aggregate classification (germline): Uncertain significance (1 of 4 stars; one submission).

Allele frequency attached by ClinVar (database versions not stated): TOPMed 0.00001; gnomAD exomes 0.00003 and 0.00001; ExAC 0.00004.
gnomAD v4.1: 17 of 1,614,214 alleles (0.0011%); highest among the groups gnomAD compares: African/African-American, 0.0013%; no homozygotes.

Submission:

Labcorp Genetics (formerly Invitae), Labcorp
Classification: Uncertain significance. Last evaluated: 2024-10-17. Review status: criteria provided, single submitter. Criteria: Invitae Variant Classification Sherloc (09022015). Collection method: clinical testing. Allele origin: germline.
Comment: This sequence change replaces serine, which is neutral and polar, with leucine, which is neutral and non-polar, at codon 592 of the MYH3 protein (p.Ser592Leu). This variant is present in population databases (rs774944595, gnomAD 0.007%). This variant has not been reported in the literature in individuals affected with MYH3-related conditions. ClinVar contains an entry for this variant (Variation ID: 1507796). Invitae Evidence Modeling of protein sequence and biophysical properties (such as structural, functional, and spatial information, amino acid conservation, physicochemical variation, residue mobility, and thermodynamic stability) indicates that this missense variant is not expected to disrupt MYH3 protein function with a negative predictive value of 95%. In summary, the available evidence is currently insufficient to determine the role of this variant in disease. Therefore, it has been classified as a Variant of Uncertain Significance.